The following is an entry in ClinVar:

NM_000170.3(GLDC):c.367A>G (p.Ile123Val)

Gene: GLDC (glycine decarboxylase; minus strand). Cytogenetic location: 9p24.1.
Variant type: single nucleotide variant.
Coding change: c.367A>G on transcript NM_000170.3 (MANE Select); coding-DNA position 367, A replaced by G.
Protein change: p.Ile123Val; replaces isoleucine 123 with valine.
Molecular consequence: missense variant.
Genome position (GRCh38, 1-based): chr9:6,620,287, T>C on the plus strand (A>G on the coding strand, the complement: GLDC is on the minus strand). VCF-style: chr9-6620287-T-C. GRCh37 (hg19) VCF-style: chr9-6620287-T-C.
Other names: short protein forms I123V.
Identifiers: ClinVar variation 2192243 (VCV002192243.1), dbSNP rs370683363, ClinGen allele CA4981170.

ClinVar aggregate classification (germline): Uncertain significance (1 of 4 stars; one submission).

Conditions:
Glycine encephalopathy. Also called: Nonketotic hyperglycinemia; Non-ketotic hyperglycinemia. Identifiers: Orphanet 407, MedGen C0751748, MONDO:0011612, HP:0008288.

Allele frequency attached by ClinVar (database versions not stated): TOPMed below 0.00001; gnomAD exomes 0.00001.
gnomAD v4.1: 3 of 1,613,732 alleles (0.00019%); highest among the groups gnomAD compares: Admixed American, 0.005%; no homozygotes.

Submission:

Labcorp Genetics (formerly Invitae), Labcorp
Classification: Uncertain significance for Glycine encephalopathy. Last evaluated: 2021-12-03. Review status: criteria provided, single submitter. Criteria: Invitae Variant Classification Sherloc (09022015). Collection method: clinical testing. Allele origin: germline.
Comment: This sequence change replaces isoleucine, which is neutral and non-polar, with valine, which is neutral and non-polar, at codon 123 of the GLDC protein (p.Ile123Val). This variant is present in population databases (rs370683363, gnomAD 0.006%). This variant has not been reported in the literature in individuals affected with GLDC-related conditions. Advanced modeling of protein sequence and biophysical properties (such as structural, functional, and spatial information, amino acid conservation, physicochemical variation, residue mobility, and thermodynamic stability) performed at Invitae indicates that this missense variant is not expected to disrupt GLDC protein function. In summary, the available evidence is currently insufficient to determine the role of this variant in disease. Therefore, it has been classified as a Variant of Uncertain Significance.